The following is an entry in ClinVar:

NM_024577.4(SH3TC2):c.818G>A (p.Cys273Tyr)

Gene: SH3TC2 (SH3 domain and tetratricopeptide repeats 2; minus strand). Cytogenetic location: 5q32.
Variant type: single nucleotide variant.
Coding change: c.818G>A on transcript NM_024577.4 (MANE Select); coding-DNA position 818, G replaced by A.
Protein change: p.Cys273Tyr; replaces cysteine 273 with tyrosine.
Molecular consequence: missense variant.
Genome position (GRCh38, 1-based): chr5:149,038,478, C>T on the plus strand (G>A on the coding strand, the complement: SH3TC2 is on the minus strand). VCF-style: chr5-149038478-C-T. GRCh37 (hg19) VCF-style: chr5-148418041-C-T.
Other names: short protein forms C273Y.
Identifiers: ClinVar variation 4765951 (VCV004765951.1).

ClinVar aggregate classification (germline): Uncertain significance (1 of 4 stars; one submission).

Conditions:
Charcot-Marie-Tooth disease type 4. Also called: Charcot-Marie-Tooth, Type 4; Charcot-Marie-Tooth disease, type IV. Identifiers: Orphanet 64749, MedGen C4082197, MONDO:0018995.

gnomAD v4.1: 4 of 1,614,046 alleles (0.00025%); highest among the groups gnomAD compares: South Asian, 0.0033%; no homozygotes.

Submission:

Labcorp Genetics (formerly Invitae), Labcorp
Classification: Uncertain significance for Charcot-Marie-Tooth disease type 4. Last evaluated: 2025-04-12. Review status: criteria provided, single submitter. Criteria: Invitae Variant Classification Sherloc (09022015). Collection method: clinical testing. Allele origin: germline.
Comment: This sequence change replaces cysteine, which is neutral and slightly polar, with tyrosine, which is neutral and polar, at codon 273 of the SH3TC2 protein (p.Cys273Tyr). This variant is not present in population databases (gnomAD no frequency). This variant has not been reported in the literature in individuals affected with SH3TC2-related conditions. Invitae Evidence Modeling of protein sequence and biophysical properties (such as structural, functional, and spatial information, amino acid conservation, physicochemical variation, residue mobility, and thermodynamic stability) indicates that this missense variant is expected to disrupt SH3TC2 protein function with a positive predictive value of 95%. In summary, the available evidence is currently insufficient to determine the role of this variant in disease. Therefore, it has been classified as a Variant of Uncertain Significance.